The following is an entry in ClinVar:

NM_001364171.2(ODAD1):c.1256T>G (p.Phe419Cys)

Gene: ODAD1 (outer dynein arm docking complex subunit 1; minus strand). Cytogenetic location: 19q13.33.
Variant type: single nucleotide variant.
Coding change: c.1256T>G on transcript NM_001364171.2 (MANE Select); coding-DNA position 1256, T replaced by G.
Protein change: p.Phe419Cys; replaces phenylalanine 419 with cysteine.
Molecular consequence: missense variant.
Genome position (GRCh38, 1-based): chr19:48,298,325, A>C on the plus strand (T>G on the coding strand, the complement: ODAD1 is on the minus strand). VCF-style: chr19-48298325-A-C. GRCh37 (hg19) VCF-style: chr19-48801582-A-C.
Other names: c.1145T>G, p.Phe382Cys (NM_144577.4); short protein forms F382C, F419C.
Identifiers: ClinVar variation 2416714 (VCV002416714.14), dbSNP rs2515927838, ClinGen allele CA406657193.

ClinVar aggregate classification (germline): Uncertain significance (1 of 4 stars; one submission).

Conditions:
Primary ciliary dyskinesia. Also called: Ciliary dyskinesia. Identifiers: Orphanet 244, MedGen C0008780, MONDO:0016575, HP:0012265.

Submission:

Labcorp Genetics (formerly Invitae), Labcorp
Classification: Uncertain significance for Primary ciliary dyskinesia. Last evaluated: 2022-01-28. Review status: criteria provided, single submitter. Criteria: Invitae Variant Classification Sherloc (09022015). Collection method: clinical testing. Allele origin: germline.
Comment: Algorithms developed to predict the effect of missense changes on protein structure and function are either unavailable or do not agree on the potential impact of this missense change (SIFT: "Tolerated"; PolyPhen-2: "Probably Damaging"; Align-GVGD: "Class C0"). This variant has not been reported in the literature in individuals affected with CCDC114-related conditions. This variant is not present in population databases (gnomAD no frequency). This sequence change replaces phenylalanine, which is neutral and non-polar, with cysteine, which is neutral and slightly polar, at codon 382 of the CCDC114 protein (p.Phe382Cys). In summary, the available evidence is currently insufficient to determine the role of this variant in disease. Therefore, it has been classified as a Variant of Uncertain Significance.